The following is an entry in ClinVar:

NM_017632.4(CDKN2AIP):c.264C>T (p.Leu88=)

Genes: CDKN2AIP (CDKN2A interacting protein; plus strand), LOC129993434 (ATAC-STARR-seq lymphoblastoid active region 22184; plus strand). Cytogenetic location: 4q35.1.
Variant type: single nucleotide variant.
Coding change: c.264C>T on transcript NM_017632.4 (MANE Select); coding-DNA position 264, C replaced by T.
Protein change: p.Leu88=; no amino-acid change (leucine 88 retained).
Molecular consequence: synonymous variant.
Genome position (GRCh38, 1-based): chr4:183,445,061, C>T. VCF-style: chr4-183445061-C-T. GRCh37 (hg19) VCF-style: chr4-184366214-C-T.
Other names: c.264C>T, p.Leu88= (NM_001317343.2).
Identifiers: ClinVar variation 2655205 (VCV002655205.24), dbSNP rs777539793, ClinGen allele CA3150757.

ClinVar aggregate classification (germline): Likely benign (1 of 4 stars; one submission).

Allele frequency attached by ClinVar (database versions not stated): gnomAD 0.00001; TOPMed 0.00001; ExAC 0.00003.
gnomAD v4.1: 6 of 1,582,670 alleles (0.00038%); highest among the groups gnomAD compares: Admixed American, 0.0034%; no homozygotes.

Submission:

CeGaT Center for Human Genetics Tuebingen
Classification: Likely benign. Last evaluated: 2022-06-01. Review status: criteria provided, single submitter. Criteria: CeGaT Center For Human Genetics Tuebingen Variant Classification Criteria Version 2. Collection method: clinical testing. Allele origin: germline. Affected: yes. Observed: 1 variant allele.
Comment: CDKN2AIP: BP4, BP7